The following is an entry in ClinVar:

ClinVar aggregate classification (germline): Pathogenic/Likely pathogenic. Review status: criteria provided, multiple submitters, no conflicts (2 of 4 stars). 3 submissions from 3 submitters: Pathogenic (2); Likely pathogenic (1). Last evaluated 2025-09-02.

Conditions:
Hereditary insensitivity to pain with anhidrosis (CIPA). Also called: FAMILIAL DYSAUTONOMIA, TYPE II; NEUROPATHY, CONGENITAL SENSORY, WITH ANHIDROSIS; hereditary sensory and autonomic neuropathy type 4; INSENSITIVITY TO PAIN, CONGENITAL, WITH ANHIDROSIS; NTRK1 Congenital Insensitivity to Pain with Anhidrosis; HSAN Type IV. Identifiers: Orphanet 642, MedGen C0020074, MONDO:0009746, OMIM 256800.

Submissions (3):

Labcorp Genetics (formerly Invitae), Labcorp
Classification: Pathogenic for Hereditary insensitivity to pain with anhidrosis. Last evaluated: 2025-09-02. Review status: criteria provided, single submitter. Criteria: Invitae Variant Classification Sherloc (09022015). Collection method: clinical testing. Allele origin: germline.
Comment: This sequence change creates a premature translational stop signal (p.Leu90*) in the NTRK1 gene. It is expected to result in an absent or disrupted protein product. Loss-of-function variants in NTRK1 are known to be pathogenic (PMID: 10982191). This variant is not present in population databases (gnomAD no frequency). This variant has not been reported in the literature in individuals affected with NTRK1-related conditions. ClinVar contains an entry for this variant (Variation ID: 2965317). For these reasons, this variant has been classified as Pathogenic.

Myriad Genetics, Inc.
Classification: Pathogenic for Hereditary insensitivity to pain with anhidrosis. Last evaluated: 2025-04-30. Review status: criteria provided, single submitter. Criteria: Myriad Autosomal Dominant, Autosomal Recessive and X-Linked Classification Criteria (2023). Collection method: clinical testing. Allele origin: unknown.
Comment: NM_002529.3(NTRK1):c.268_277del10(L90*) is a nonsense variant classified as pathogenic in the context of congenital insensitivity to pain with anhidrosis, NTRK1-related. L90* has not been observed in cases with relevant disease. Relevant functional assessments of this variant are not available in the literature. L90* has not been observed in referenced population frequency databases. In summary, NM_002529.3(NTRK1):c.268_277del10(L90*) is a nonsense variant in a gene where loss of function is a known mechanism of disease and is predicted to disrupt protein function. Please note: this variant was assessed in the context of healthy population screening.

Natera, Inc.
Classification: Likely pathogenic for Hereditary insensitivity to pain with anhidrosis. Last evaluated: 2024-07-10. Review status: criteria provided, single submitter. Criteria: Natera Variant Classification Schema (03/2026). Collection method: clinical testing. Allele origin: germline.
Comment: The c.268_277del variant in NTRK1 is a frameshift variant predicted to shift the reading frame and introduce a stop codon. This variant is expected to result in nonsense mediated decay, truncation, or a dysfunctional protein product. This variant is rare in the general population with a frequency below the threshold expected for the associated phenotype(s). Given the available evidence, this variant is classified as Likely Pathogenic.

Literature cited by the submitters: PubMed 10982191 (cited by Labcorp Genetics (formerly Invitae), Labcorp).

NM_002529.4(NTRK1):c.268_277del (p.Gly89_Leu90insTer)

Gene: NTRK1 (neurotrophic receptor tyrosine kinase 1; plus strand). Cytogenetic location: 1q23.1.
Variant type: Deletion.
Coding change: c.268_277del on transcript NM_002529.4 (MANE Select); coding-DNA positions 268 to 277, 10 bases deleted (CTGGGGGAGC; older notation c.268_277delCTGGGGGAGC).
Protein change: p.Gly89_Leu90insTer.
Molecular consequence: nonsense. On other transcripts: frameshift variant (2).
Genome position (GRCh38, 1-based): chr1:156,864,409-156,864,418, CTGGGGGAGC deleted; deleting any 10 consecutive bases within chr1:156,864,407-156,864,418 gives the same sequence; the c. name uses the placement nearest the transcript's 3' end. VCF-style (leftmost placement, unchanged base first): chr1-156864406-GGCCTGGGGGA-G. GRCh37 (hg19) VCF-style: chr1-156834198-GGCCTGGGGGA-G.
Other names: c.268_277del (NM_001012331.1); c.268_277delCTGGGGGAGC, p.Leu90Terfs (NM_001007204.1, NM_001012331.1); c.178_187del, p.Gly59_Leu60insTer (NM_001007792.1); c.268_277del, p.Gly89_Leu90insTer (NM_001012331.2).
Identifiers: ClinVar variation 2965317 (VCV002965317.5), dbSNP rs2525572091, ClinGen allele CA2740090261.
Genomic context (GRCh38, chr1:156,864,406, plus strand): 5'-CCCCACAGCTACATCGAGAACCAGCAGCATCTGCAGCATCTGGAGCTCCGTGATCTGAGG[GGCCTGGGGGA>G]GCTGAGAAACCTGTGAGGGAAACGGGGACTGTGGGTGTGGAGCTCAGCATGGGCCTGGGG-3'